The following is an entry in ClinVar:

ClinVar aggregate classification (germline): Uncertain significance (1 of 4 stars; one submission).

Submission:

Ambry Genetics
Classification: Uncertain significance. Last evaluated: 2023-04-14. Review status: criteria provided, single submitter. Criteria: Ambry Variant Classification Scheme 2023. Collection method: clinical testing. Allele origin: germline.
Comment: The p.D1779V variant (also known as c.5336A>T), located in coding exon 16 of the POLQ gene, results from an A to T substitution at nucleotide position 5336. The aspartic acid at codon 1779 is replaced by valine, an amino acid with highly dissimilar properties. This amino acid position is conserved. In addition, this alteration is predicted to be tolerated by in silico analysis. Since supporting evidence is limited at this time, the clinical significance of this alteration remains unclear.

NM_199420.4(POLQ):c.5336A>T (p.Asp1779Val)

Gene: POLQ (DNA polymerase theta; minus strand). Cytogenetic location: 3q13.33.
Variant type: single nucleotide variant.
Coding change: c.5336A>T on transcript NM_199420.4 (MANE Select); coding-DNA position 5336, A replaced by T.
Protein change: p.Asp1779Val; replaces aspartic acid 1779 with valine.
Molecular consequence: missense variant.
Genome position (GRCh38, 1-based): chr3:121,487,595, T>A on the plus strand (A>T on the coding strand, the complement: POLQ is on the minus strand). VCF-style: chr3-121487595-T-A. GRCh37 (hg19) VCF-style: chr3-121206442-T-A.
Other names: short protein forms D1779V.
Identifiers: ClinVar variation 2563798 (VCV002563798.2), dbSNP rs1335018003, ClinGen allele CA354090518.